The following is an entry in ClinVar:

NM_003611.3(OFD1):c.1830T>G (p.Asn610Lys)

Gene: OFD1 (OFD1 centriole and centriolar satellite protein; plus strand). Cytogenetic location: Xp22.2.
Variant type: single nucleotide variant.
Coding change: c.1830T>G on transcript NM_003611.3 (MANE Select); coding-DNA position 1830, T replaced by G.
Protein change: p.Asn610Lys; replaces asparagine 610 with lysine.
Molecular consequence: missense variant.
Genome position (GRCh38, 1-based): chrX:13,760,290, T>G. VCF-style: chrX-13760290-T-G. GRCh37 (hg19) VCF-style: chrX-13778409-T-G.
Other names: c.1710T>G, p.Asn570Lys (NM_001330209.2); c.1410T>G, p.Asn470Lys (NM_001330210.2); short protein forms N470K, N570K, N610K.
Identifiers: ClinVar variation 2434493 (VCV002434493.4), dbSNP rs2518938060, ClinGen allele CA412343920.

ClinVar aggregate classification (germline): Uncertain significance. Review status: criteria provided, multiple submitters, no conflicts (2 of 4 stars). 2 submissions from 2 submitters: Uncertain significance (2). Last evaluated 2024-01-01.

Conditions:
OFD1-related disorder. Also called: OFD1-related condition.

Allele frequency attached by ClinVar (database versions not stated): gnomAD exomes 0.00001.
gnomAD v4.1: 3 of 1,211,769 alleles (0.00025%); highest among the groups gnomAD compares: Middle Eastern, 0.069%; no homozygotes.

Submissions (2):

Daryl Scott Lab, Baylor College of Medicine
Classification: Uncertain significance for OFD1-related disorder. Last evaluated: 2024-01-01. Review status: criteria provided, single submitter. Criteria: ACMG Guidelines, 2015. Collection method: clinical testing. Allele origin: maternal. Observed: 1 hemizygote.
Comment: PM2

Revvity Omics, Revvity
Classification: Uncertain significance. Last evaluated: 2021-08-03. Review status: criteria provided, single submitter. Criteria: ACMG Guidelines, 2015. Collection method: clinical testing. Allele origin: germline.